The following is an entry in ClinVar:

ClinVar aggregate classification (germline): Uncertain significance (1 of 4 stars; one submission).

Submission:

Labcorp Genetics (formerly Invitae), Labcorp
Classification: Uncertain significance. Last evaluated: 2021-02-03. Review status: criteria provided, single submitter. Criteria: Invitae Variant Classification Sherloc (09022015). Collection method: clinical testing. Allele origin: germline.
Comment: This sequence change replaces serine with alanine at codon 121 of the RGS9BP protein (p.Ser121Ala). The serine residue is moderately conserved and there is a moderate physicochemical difference between serine and alanine. The frequency data for this variant in the population databases is considered unreliable, as metrics indicate insufficient coverage at this position in the ExAC database. In summary, the available evidence is currently insufficient to determine the role of this variant in disease. Therefore, it has been classified as a Variant of Uncertain Significance. Algorithms developed to predict the effect of missense changes on protein structure and function output the following: SIFT: "Tolerated"; PolyPhen-2: "Benign"; Align-GVGD: "Class C0". The alanine amino acid residue is found in multiple mammalian species, suggesting that this missense change does not adversely affect protein function. These predictions have not been confirmed by published functional studies and their clinical significance is uncertain. This variant has not been reported in the literature in individuals with RGS9BP-related conditions.

NM_207391.3(RGS9BP):c.361T>G (p.Ser121Ala)

Gene: RGS9BP (regulator of G protein signaling 9 binding protein; plus strand). Cytogenetic location: 19q13.11.
Variant type: single nucleotide variant.
Coding change: c.361T>G on transcript NM_207391.3 (MANE Select); coding-DNA position 361, T replaced by G.
Protein change: p.Ser121Ala; replaces serine 121 with alanine.
Molecular consequence: missense variant.
Genome position (GRCh38, 1-based): chr19:32,676,624, T>G. VCF-style: chr19-32676624-T-G. GRCh37 (hg19) VCF-style: chr19-33167530-T-G.
Other names: short protein forms S121A.
Identifiers: ClinVar variation 1369325 (VCV001369325.8), dbSNP rs1330215116, ClinGen allele CA405186532.